The following is an entry in ClinVar:

ClinVar aggregate classification (germline): Pathogenic (1 of 4 stars; one submission).

Submission:

Labcorp Genetics (formerly Invitae), Labcorp
Classification: Pathogenic. Last evaluated: 2025-06-03. Review status: criteria provided, single submitter. Criteria: Invitae Variant Classification Sherloc (09022015). Collection method: clinical testing. Allele origin: germline.
Comment: This sequence change creates a premature translational stop signal (p.Gly1276Glufs*182) in the COL11A1 gene. It is expected to result in an absent or disrupted protein product. Loss-of-function variants in COL11A1 are known to be pathogenic (PMID: 20513134, 21035103, 23922384, 25240749, 32427345, 32756486). This variant is not present in population databases (gnomAD no frequency). This variant has not been reported in the literature in individuals affected with COL11A1-related conditions. For these reasons, this variant has been classified as Pathogenic.

Literature cited by the submitters: PubMed 20513134; PubMed 21035103; PubMed 23922384; PubMed 25240749; PubMed 32427345; PubMed 32756486.

NM_001854.4(COL11A1):c.3827del (p.Gly1276fs)

Gene: COL11A1 (collagen type XI alpha 1 chain; minus strand). Cytogenetic location: 1p21.1.
Variant type: Deletion.
Coding change: c.3827del on transcript NM_001854.4 (MANE Select); coding-DNA position 3827, one base deleted (G; older notation c.3827delG).
Protein change: p.Gly1276fs; shifts the reading frame from glycine 1276.
Molecular consequence: frameshift variant. On other transcripts: non-coding transcript variant (1).
Genome position (GRCh38, 1-based): chr1:102,914,801, C deleted on the plus strand (G on the coding strand, the reverse complement: COL11A1 is on the minus strand); the first of 2 consecutive C bases (chr1:102,914,801-102,914,802); deleting either gives the same sequence. VCF-style (leftmost placement, unchanged base first): chr1-102914800-TC-T. GRCh37 (hg19) VCF-style: chr1-103380356-TC-T.
Other names: c.3710del, p.Gly1237fs (NM_001190709.2); c.3863del, p.Gly1288fs (NM_080629.3); c.3479del, p.Gly1160fs (NM_080630.4); short protein forms G1276fs, G1288fs, G1160fs, G1237fs.
Identifiers: ClinVar variation 4720634 (VCV004720634.1).